The following is an entry in ClinVar:

NM_001206927.2(DNAH8):c.1703_1704del (p.Ser567_Phe568insTer)

Gene: DNAH8 (dynein axonemal heavy chain 8; plus strand). Cytogenetic location: 6p21.2.
Variant type: Deletion.
Coding change: c.1703_1704del on transcript NM_001206927.2 (MANE Select); coding-DNA positions 1703 to 1704, 2 bases deleted (TT; older notation c.1703_1704delTT).
Protein change: p.Ser567_Phe568insTer.
Molecular consequence: nonsense.
Genome position (GRCh38, 1-based): chr6:38,770,498-38,770,499, TT deleted; deleting any 2 consecutive bases within chr6:38,770,496-38,770,499 gives the same sequence; the c. name uses the placement nearest the transcript's 3' end. VCF-style (leftmost placement, unchanged base first): chr6-38770495-CTT-C. GRCh37 (hg19) VCF-style: chr6-38738271-CTT-C.
Other names: c.1052_1053del, p.Ser350_Phe351insTer (NM_001371.4).
Identifiers: ClinVar variation 3649656 (VCV003649656.2).

ClinVar aggregate classification (germline): Pathogenic (1 of 4 stars; one submission).

Conditions:
Primary ciliary dyskinesia. Also called: Ciliary dyskinesia. Identifiers: Orphanet 244, MedGen C0008780, MONDO:0016575, HP:0012265.

Submission:

Labcorp Genetics (formerly Invitae), Labcorp
Classification: Pathogenic for Primary ciliary dyskinesia. Last evaluated: 2024-08-16. Review status: criteria provided, single submitter. Criteria: Invitae Variant Classification Sherloc (09022015). Collection method: clinical testing. Allele origin: germline.
Comment: This sequence change creates a premature translational stop signal (p.Phe568*) in the DNAH8 gene. It is expected to result in an absent or disrupted protein product. Loss-of-function variants in DNAH8 are known to be pathogenic (PMID: 24307375, 32619401, 32681648). This variant is not present in population databases (gnomAD no frequency). This variant has not been reported in the literature in individuals affected with DNAH8-related conditions. For these reasons, this variant has been classified as Pathogenic.

Literature cited by the submitters: PubMed 24307375; PubMed 32619401; PubMed 32681648.